The following is an entry in ClinVar:

NC_000011.9:g.(?_68540723)_(68549437_?)dup

Gene: CPT1A (carnitine palmitoyltransferase 1A; minus strand). Cytogenetic location: 11q13.3.
Variant type: Duplication.
Identifiers: ClinVar variation 1506431 (VCV001506431.3).

ClinVar aggregate classification (germline): Likely pathogenic (1 of 4 stars; one submission).

Conditions:
Carnitine palmitoyl transferase 1A deficiency. Also called: CPT deficiency, hepatic, type IA; CPT I DEFICIENCY; CPT DEFICIENCY, HEPATIC, TYPE I; Carnitine palmitoyltransferase 1A deficiency; Carnitine palmitoyltransferase type I deficiency. Identifiers: Orphanet 156, MedGen C1829703, MONDO:0009705, OMIM 255120.

Submission:

Labcorp Genetics (formerly Invitae), Labcorp
Classification: Likely pathogenic for Carnitine palmitoyl transferase 1A deficiency. Last evaluated: 2021-10-06. Review status: criteria provided, single submitter. Criteria: Invitae Variant Classification Sherloc (09022015). Collection method: clinical testing. Allele origin: germline.
Comment: This variant results in a copy number gain of the genomic region encompassing exon(s) 11-14 of the CPT1A gene. While the exact position of this variant cannot be determined from the data, sub-genic copy number gains are generally in tandem (PMID: 25640679). This variant is predicted to be out-of-frame, and may result in an absent or disrupted protein product. Loss-of-function variants in CPT1A are known to be pathogenic (PMID: 16169268). This variant has not been reported in the literature in individuals affected with CPT1A-related conditions. Experimental studies and prediction algorithms are not available or were not evaluated, and the functional significance of this variant is currently unknown. In summary, the currently available evidence indicates that the variant is pathogenic, but additional data are needed to prove that conclusively. Therefore, this variant has been classified as Likely Pathogenic.

Literature cited by the submitters: PubMed 25640679; PubMed 16169268.